The following is an entry in ClinVar:

ClinVar aggregate classification (germline): Likely benign. Review status: criteria provided, multiple submitters, no conflicts (2 of 4 stars). 2 submissions from 2 submitters: Likely benign (2). Last evaluated 2026-02-01.

Conditions:
Dilated cardiomyopathy 1G (CMD1G). Identifiers: Orphanet 154, MedGen C1858763, MONDO:0011400, OMIM 604145.
Autosomal recessive limb-girdle muscular dystrophy type 2J (LGMDR10). Also called: Limb-girdle muscular dystrophy, type 2J; MUSCULAR DYSTROPHY, LIMB-GIRDLE, AUTOSOMAL RECESSIVE 10. Identifiers: Orphanet 140922, MedGen C1837342, MONDO:0012127, OMIM 608807.

Allele frequency attached by ClinVar (database versions not stated): gnomAD exomes below 0.00001; gnomAD 0.00001.
gnomAD v4.1: 3 of 1,612,722 alleles (0.00019%); highest among the groups gnomAD compares: Non-Finnish European, 0.00025%; no homozygotes.

Submissions (2):

CeGaT Center for Human Genetics Tuebingen
Classification: Likely benign. Last evaluated: 2026-02-01. Review status: criteria provided, single submitter. Criteria: CeGaT Center For Human Genetics Tuebingen Variant Classification Criteria Version 2. Collection method: clinical testing. Allele origin: germline. Affected: yes. Observed: 1 variant allele.
Comment: TTN: BP4, BP7

Labcorp Genetics (formerly Invitae), Labcorp
Classification: Likely benign for Dilated cardiomyopathy 1G; Autosomal recessive limb-girdle muscular dystrophy type 2J. Last evaluated: 2024-11-01. Review status: criteria provided, single submitter. Criteria: Invitae Variant Classification Sherloc (09022015). Collection method: clinical testing. Allele origin: germline.

NM_001267550.2(TTN):c.75117T>A (p.Thr25039=)

Genes: TTN (titin; minus strand), TTN-AS1 (TTN antisense RNA 1; plus strand). Cytogenetic location: 2q31.2.
Variant type: single nucleotide variant.
Coding change: c.75117T>A on transcript NM_001267550.2 (MANE Select); coding-DNA position 75117, T replaced by A.
Protein change: p.Thr25039=; no amino-acid change (threonine 25039 retained).
Molecular consequence: synonymous variant.
Genome position (GRCh38, 1-based): chr2:178,571,015, A>T on the plus strand (T>A on the coding strand, the complement: TTN is on the minus strand). VCF-style: chr2-178571015-A-T. GRCh37 (hg19) VCF-style: chr2-179435742-A-T.
Other names: c.70194T>A, p.Thr23398= (NM_001256850.1); c.47922T>A, p.Thr15974= (NM_003319.4); c.67413T>A, p.Thr22471= (NM_133378.4); c.48297T>A, p.Thr16099= (NM_133432.3); c.48498T>A, p.Thr16166= (NM_133437.4).
Identifiers: ClinVar variation 2939265 (VCV002939265.7), dbSNP rs1221726226, ClinGen allele CA430255420.